The following is an entry in ClinVar:

NM_001851.6(COL9A1):c.1093C>T (p.Pro365Ser)

Gene: COL9A1 (collagen type IX alpha 1 chain; minus strand). Cytogenetic location: 6q13.
Variant type: single nucleotide variant.
Coding change: c.1093C>T on transcript NM_001851.6 (MANE Select); coding-DNA position 1093, C replaced by T.
Protein change: p.Pro365Ser; replaces proline 365 with serine.
Molecular consequence: missense variant. On other transcripts: non-coding transcript variant (1).
Genome position (GRCh38, 1-based): chr6:70,271,705, G>A on the plus strand (C>T on the coding strand, the complement: COL9A1 is on the minus strand). VCF-style: chr6-70271705-G-A. GRCh37 (hg19) VCF-style: chr6-70981408-G-A.
Other names: c.364C>T, p.Pro122Ser (NM_001377289.1, NM_001377290.1, NM_078485.4); short protein forms P122S, P365S.
Identifiers: ClinVar variation 1318656 (VCV001318656.3), dbSNP rs2127590823, ClinGen allele CA364682390.
Genomic context (GRCh38, chr6:70,271,705, plus strand): 5'-TGGTACTCACAACAGGTCCTACACGGCCAAGCTCTCCAGGGAGTCCTGCTGTCCCAGGAG[G>A]ACCCTGAAGTCAACAAATCAAAGCAAATGGTCATTTATGAATATTTTTACAATCTATCAT-3'
Protein context (NP_001842.3, residues 355-375): PGRGIPGPPG[Pro365Ser]PGTAGLPGEL

ClinVar aggregate classification (germline): Uncertain significance (1 of 4 stars; one submission).

Submission:

GeneDx
Classification: Uncertain significance. Last evaluated: 2024-01-04. Review status: criteria provided, single submitter. Criteria: GeneDx Variant Classification Process June 2021. Collection method: clinical testing. Allele origin: germline. Affected: yes.
Comment: Not observed in large population cohorts (gnomAD); In silico analysis, which includes protein predictors and evolutionary conservation, supports a deleterious effect; Has not been previously published as pathogenic or benign to our knowledge